The following is an entry in ClinVar:

ClinVar aggregate classification (germline): Benign. Review status: criteria provided, single submitter (1 of 4 stars). 2 submissions from 2 submitters: Benign (1). 1 of the submissions does not count toward it. Last evaluated 2025-11-13.

Conditions:
C2CD3-related disorder. Also called: C2CD3-related condition.

Allele frequency attached by ClinVar (database versions not stated): gnomAD exomes 0.00012 and 0.00036; 1000 Genomes Project 30x 0.00016; gnomAD 0.00019; ExAC 0.00035; TOPMed 0.00039.
gnomAD v4.1: 222 of 1,536,258 alleles (0.014%); highest among the groups gnomAD compares: Middle Eastern, 0.1%; 1 homozygote.

Submissions (2):

Labcorp Genetics (formerly Invitae), Labcorp
Classification: Benign. Last evaluated: 2025-11-13. Review status: criteria provided, single submitter. Criteria: Invitae Variant Classification Sherloc (09022015). Collection method: clinical testing. Allele origin: germline.

PreventionGenetics, part of Exact Sciences
Classification: Likely benign for C2CD3-related condition. Last evaluated: 2021-08-03. Review status: no assertion criteria provided. Collection method: clinical testing. Allele origin: germline. Not counted in ClinVar's aggregate classification.
Comment: This variant is classified as likely benign based on ACMG/AMP sequence variant interpretation guidelines (Richards et al. 2015 PMID: 25741868, with internal and published modifications).

NM_001286577.2(C2CD3):c.6489T>G (p.Val2163=)

Gene: C2CD3 (C2 domain containing 3 centriole elongation regulator; minus strand). Cytogenetic location: 11q13.4.
Variant type: single nucleotide variant.
Coding change: c.6489T>G on transcript NM_001286577.2 (MANE Select); coding-DNA position 6489, T replaced by G.
Protein change: p.Val2163=; no amino-acid change (valine 2163 retained).
Molecular consequence: synonymous variant.
Genome position (GRCh38, 1-based): chr11:74,033,671, A>C on the plus strand (T>G on the coding strand, the complement: C2CD3 is on the minus strand). VCF-style: chr11-74033671-A-C. GRCh37 (hg19) VCF-style: chr11-73744716-A-C.
Other names: c.6489T>G (NM_001286577.1).
Identifiers: ClinVar variation 1538978 (VCV001538978.10), dbSNP rs200722665, ClinGen allele CA6181712.